The following is an entry in ClinVar:

NM_006393.3(NEBL):c.1698_1699dup (p.Met567fs)

Gene: NEBL (nebulette; minus strand). Cytogenetic location: 10p12.31.
Variant type: Duplication.
Coding change: c.1698_1699dup on transcript NM_006393.3 (MANE Select); coding-DNA positions 1698 to 1699, 2 bases duplicated (GA; older notation c.1698_1699dupGA).
Protein change: p.Met567fs; shifts the reading frame from methionine 567.
Molecular consequence: frameshift variant. On other transcripts: intron variant (9).
Genome position (GRCh38, 1-based): chr10:20,828,607-20,828,608, TC duplicated on the plus strand (GA on the coding strand, the reverse complement: NEBL is on the minus strand); duplicating any 2 consecutive bases within chr10:20,828,607-20,828,609 gives the same sequence; the c. name uses the placement nearest the transcript's 3' end. VCF-style (leftmost placement, unchanged base first): chr10-20828606-A-ATC. GRCh37 (hg19) VCF-style: chr10-21117535-A-ATC.
Other names: c.250-15668_250-15667dup (NM_001377326.1, NM_001377327.1, NM_001377328.1); c.358-15668_358-15667dup (NM_213569.2, NM_001173484.2, NM_001377322.1); c.301-15668_301-15667dup (NM_001377324.1); c.292-15668_292-15667dup (NM_001377325.1); c.310-15668_310-15667dup (NM_001377323.1); c.1698_1699dupGA (NM_006393.3); short protein forms M567fs.
Identifiers: ClinVar variation 4689483 (VCV004689483.1).

ClinVar aggregate classification (germline): Uncertain significance (1 of 4 stars; one submission).

Submission:

Women's Health and Genetics/Laboratory Corporation of America, LabCorp
Classification: Uncertain significance. Last evaluated: 2026-01-12. Review status: criteria provided, single submitter. Criteria: LabCorp Variant Classification Summary - May 2015. Collection method: clinical testing. Allele origin: germline.
Comment: Variant summary: NEBL c.1698_1699dupGA (p.Met567ArgfsX9) results in a premature termination codon, predicted to cause a truncation of the encoded protein or absence of the protein due to nonsense mediated decay, however current evidence is not sufficient to establish loss of function as a mechanism for disease. The variant allele was found at a frequency of 4e-06 in 250210 control chromosomes. The available data on variant occurrences in the general population are insufficient to allow any conclusion about variant significance. To our knowledge, no occurrence of c.1698_1699dupGA in individuals affected with NEBL-related conditions and no experimental evidence demonstrating its impact on protein function have been reported. No submitters have cited clinical-significance assessments for this variant to ClinVar. Based on the evidence outlined above, the variant was classified as uncertain significance.